The following is an entry in ClinVar:

NM_001277313.2(FMN1):c.687C>G (p.Ser229=)

Gene: FMN1 (formin 1; minus strand). Cytogenetic location: 15q13.3.
Variant type: single nucleotide variant.
Coding change: c.687C>G on transcript NM_001277313.2 (MANE Select); coding-DNA position 687, C replaced by G.
Protein change: p.Ser229=; no amino-acid change (serine 229 retained).
Molecular consequence: synonymous variant.
Genome position (GRCh38, 1-based): chr15:33,154,228, G>C on the plus strand (C>G on the coding strand, the complement: FMN1 is on the minus strand). VCF-style: chr15-33154228-G-C. GRCh37 (hg19) VCF-style: chr15-33446429-G-C.
Other names: c.687C>G (NM_001277313.1); c.687C>G, p.Ser229= (NM_001277314.2).
Identifiers: ClinVar variation 1584391 (VCV001584391.33), dbSNP rs750940066, ClinGen allele CA7457577.

ClinVar aggregate classification (germline): Likely benign. Review status: criteria provided, multiple submitters, no conflicts (2 of 4 stars). 3 submissions from 3 submitters: Likely benign (2). 1 of the submissions does not count toward it. Last evaluated 2025-12-25.

Conditions:
FMN1-related disorder. Also called: FMN1-related condition.

Allele frequency attached by ClinVar (database versions not stated): ExAC 0.00021; gnomAD 0.00027 and 0.00029; TOPMed 0.00028.
gnomAD v4.1: 469 of 1,536,176 alleles (0.031%); highest among the groups gnomAD compares: Non-Finnish European, 0.033%; 1 homozygote.

Submissions (3):

Labcorp Genetics (formerly Invitae), Labcorp
Classification: Likely benign. Last evaluated: 2025-12-25. Review status: criteria provided, single submitter. Criteria: Invitae Variant Classification Sherloc (09022015). Collection method: clinical testing. Allele origin: germline.

CeGaT Center for Human Genetics Tuebingen
Classification: Likely benign. Last evaluated: 2022-07-01. Review status: criteria provided, single submitter. Criteria: CeGaT Center For Human Genetics Tuebingen Variant Classification Criteria Version 2. Collection method: clinical testing. Allele origin: germline. Affected: yes. Observed: 1 variant allele.
Comment: FMN1: BP4, BP7

PreventionGenetics, part of Exact Sciences
Classification: Likely benign for FMN1-related condition. Last evaluated: 2019-08-28. Review status: no assertion criteria provided. Collection method: clinical testing. Allele origin: germline. Not counted in ClinVar's aggregate classification.
Comment: This variant is classified as likely benign based on ACMG/AMP sequence variant interpretation guidelines (Richards et al. 2015 PMID: 25741868, with internal and published modifications).